The following is an entry in ClinVar:

ClinVar aggregate classification (germline): Likely benign. Review status: criteria provided, single submitter (1 of 4 stars). 2 submissions from 2 submitters: Likely benign (1). 1 of the submissions does not count toward it. Last evaluated 2024-05-07.

Conditions:
FBLN1-related disorder. Also called: FBLN1-related condition.

gnomAD v4.1: 63 of 1,614,030 alleles (0.0039%); highest among the groups gnomAD compares: South Asian, 0.045%; 1 homozygote.

Submissions (2):

Labcorp Genetics (formerly Invitae), Labcorp
Classification: Likely benign. Last evaluated: 2024-05-07. Review status: criteria provided, single submitter. Criteria: Invitae Variant Classification Sherloc (09022015). Collection method: clinical testing. Allele origin: germline.

PreventionGenetics, part of Exact Sciences
Classification: Likely benign for FBLN1-related condition. Last evaluated: 2020-03-18. Review status: no assertion criteria provided. Collection method: clinical testing. Allele origin: germline. Not counted in ClinVar's aggregate classification.
Comment: This variant is classified as likely benign based on ACMG/AMP sequence variant interpretation guidelines (Richards et al. 2015 PMID: 25741868, with internal and published modifications).

NM_006486.3(FBLN1):c.1776C>T (p.Pro592=)

Gene: FBLN1 (fibulin 1; plus strand). Cytogenetic location: 22q13.31.
Variant type: single nucleotide variant.
Coding change: c.1776C>T on transcript NM_006486.3 (MANE Select); coding-DNA position 1776, C replaced by T.
Protein change: p.Pro592=; no amino-acid change (proline 592 retained).
Molecular consequence: synonymous variant.
Genome position (GRCh38, 1-based): chr22:45,574,589, C>T. VCF-style: chr22-45574589-C-T. GRCh37 (hg19) VCF-style: chr22-45970469-C-T.
Identifiers: ClinVar variation 3344164 (VCV003344164.3).
Genomic context (GRCh38, chr22:45,574,589, plus strand): 5'-AGACACGGTCCGCTGCATCAAGTCCTGCCGCCCCAACGATGTCACATGCGTGTTCGACCC[C>T]GTGCACACCATCTCCCACACCGTCATCTCGCTGCCTACCTTCCGCGAGTTCACCCGCCCT-3'
Protein context (NP_006477.3, residues 582-602): RPNDVTCVFD[Pro592=]VHTISHTVIS